The following is an entry in ClinVar:

ClinVar aggregate classification (germline): Uncertain significance (1 of 4 stars; one submission).

Conditions:
Cardiovascular phenotype. Identifiers: MedGen CN230736.

Submission:

Ambry Genetics
Classification: Uncertain significance for Cardiovascular phenotype. Last evaluated: 2026-08-19. Review status: criteria provided, single submitter. Criteria: Ambry Variant Classification Scheme 2023. Collection method: clinical testing. Allele origin: germline.
Comment: The c.1088T>C (p.V363A) alteration is located in exon 2 (coding exon 1) of the KCND3 gene. This alteration results from a T to C substitution at nucleotide position 1088, causing the valine (V) at amino acid position 363 to be replaced by an alanine (A). This variant was not reported in population-based cohorts in the Genome Aggregation Database (gnomAD). This amino acid position is highly conserved in available vertebrate species. This missense variant is located in a region that has a low rate of benign missense variation (Lek, 2016; Firth, 2009). This alteration is predicted to be deleterious by in silico analysis. Based on insufficient or conflicting evidence, the clinical significance of this alteration remains unclear.

NM_001378969.1(KCND3):c.1088T>C (p.Val363Ala)

Gene: KCND3 (potassium voltage-gated channel subfamily D member 3; minus strand). Cytogenetic location: 1p13.2.
Variant type: single nucleotide variant.
Coding change: c.1088T>C on transcript NM_001378969.1 (MANE Select); coding-DNA position 1088, T replaced by C.
Protein change: p.Val363Ala; replaces valine 363 with alanine.
Molecular consequence: missense variant.
Genome position (GRCh38, 1-based): chr1:111,981,639, A>G on the plus strand (T>C on the coding strand, the complement: KCND3 is on the minus strand). VCF-style: chr1-111981639-A-G. GRCh37 (hg19) VCF-style: chr1-112524261-A-G.
Other names: c.1088T>C, p.Val363Ala (NM_001378970.1, NM_004980.5, NM_172198.3); short protein forms V363A.
Identifiers: ClinVar variation 5022958 (VCV005022958.1).